The following is an entry in ClinVar:

NM_017534.6(MYH2):c.4376T>C (p.Leu1459Pro)

Genes: MYHAS (myosin heavy chain gene cluster antisense RNA; plus strand), MYH2 (myosin heavy chain 2; minus strand), LOC126862500 (BRD4-independent group 4 enhancer GRCh37_chr17:10427829-10429028; plus strand). Cytogenetic location: 17p13.1.
Variant type: single nucleotide variant.
Coding change: c.4376T>C on transcript NM_017534.6 (MANE Select); coding-DNA position 4376, T replaced by C.
Protein change: p.Leu1459Pro; replaces leucine 1459 with proline.
Molecular consequence: missense variant.
Genome position (GRCh38, 1-based): chr17:10,525,612, A>G on the plus strand (T>C on the coding strand, the complement: MYH2 is on the minus strand). VCF-style: chr17-10525612-A-G. GRCh37 (hg19) VCF-style: chr17-10428929-A-G.
Other names: c.4376T>C, p.Leu1459Pro (NM_001100112.2); short protein forms L1459P.
Identifiers: ClinVar variation 534351 (VCV000534351.9), dbSNP rs765135888, ClinGen allele CA8390637.
Genomic context (GRCh38, chr17:10,525,612, plus strand): 5'-TCCTTCTGGGAGGCCTCAAGCTCAGCATGCGTTTCCTCACATTTCTGTTTCCATTCTGCC[A>G]GGATCTGAAAAACCAAGACCTGTTACCTGCTGCAAAGACAAAAGAGTAGAGTAAAGAGCA-3'
Protein context (NP_060004.3, residues 1449-1469): DKKQRNFDKI[Leu1459Pro]AEWKQKCEET

ClinVar aggregate classification (germline): Uncertain significance. Review status: criteria provided, multiple submitters, no conflicts (2 of 4 stars). 3 submissions from 3 submitters: Uncertain significance (3). Last evaluated 2025-03-16.

Conditions:
Myopathy, proximal, and ophthalmoplegia (CMYO6). Also called: MYOPATHY WITH CONGENITAL JOINT CONTRACTURES, OPHTHALMOPLEGIA, AND RIMMED VACUOLES; INCLUSION BODY MYOPATHY 3, AUTOSOMAL DOMINANT; CONGENITAL MYOPATHY 6 WITH OPHTHALMOPLEGIA. Identifiers: Orphanet 363677, Orphanet 79091, MedGen C1854106, MONDO:0011577, OMIM 605637.
Inborn genetic diseases. Identifiers: MedGen C0950123, MeSH D030342.

Allele frequency attached by ClinVar (database versions not stated): gnomAD exomes below 0.00001 and 0.00001; ExAC 0.00001; TOPMed 0.00002; gnomAD 0.00003.
gnomAD v4.1: 7 of 1,614,076 alleles (0.00043%); highest among the groups gnomAD compares: Non-Finnish European, 0.00059%; no homozygotes.

Submissions (3):

Ambry Genetics
Classification: Uncertain significance for Inborn genetic diseases. Last evaluated: 2025-03-16. Review status: criteria provided, single submitter. Criteria: Ambry Variant Classification Scheme 2023. Collection method: clinical testing. Allele origin: germline.

Revvity Omics, Revvity
Classification: Uncertain significance for Myopathy, proximal, and ophthalmoplegia. Last evaluated: 2019-05-23. Review status: criteria provided, single submitter. Criteria: ACMG Guidelines, 2015. Collection method: clinical testing. Allele origin: germline.

Labcorp Genetics (formerly Invitae), Labcorp
Classification: Uncertain significance for Myopathy, proximal, and ophthalmoplegia. Last evaluated: 2017-11-16. Review status: criteria provided, single submitter. Criteria: Invitae Variant Classification Sherloc (09022015). Collection method: clinical testing. Allele origin: germline.
Comment: In summary, the available evidence is currently insufficient to determine the role of this variant in disease. Therefore, it has been classified as a Variant of Uncertain Significance. Algorithms developed to predict the effect of missense changes on protein structure and function (SIFT, PolyPhen-2, Align-GVGD) all suggest that this variant is likely to be disruptive, but these predictions have not been confirmed by published functional studies and their clinical significance is uncertain. This variant has not been reported in the literature in individuals with MYH2-related disease. This variant is present in population databases (rs765135888, ExAC 0.001%). This sequence change replaces leucine with proline at codon 1459 of the MYH2 protein (p.Leu1459Pro). The leucine residue is highly conserved and there is a moderate physicochemical difference between leucine and proline.